The following is an entry in ClinVar:

NM_000492.4(CFTR):c.3140-3C>T

Genes: CFTR (CF transmembrane conductance regulator; plus strand), CFTR-AS2 (CFTR antisense RNA 2; minus strand), LOC111674472 (DNase I hypersensitive sites in introns 16 and 17a of CFTR; plus strand). Cytogenetic location: 7q31.2.
Variant type: single nucleotide variant.
Coding change: c.3140-3C>T on transcript NM_000492.4 (MANE Select); 3 bases into the intron before coding-DNA position 3140, C replaced by T.
Molecular consequence: intron variant.
Genome position (GRCh38, 1-based): chr7:117,611,578, C>T. VCF-style: chr7-117611578-C-T. GRCh37 (hg19) VCF-style: chr7-117251632-C-T.
Identifiers: ClinVar variation 3231878 (VCV003231878.1), dbSNP rs900229874, ClinGen allele CA164966258.

ClinVar aggregate classification (germline): Uncertain significance (1 of 4 stars; one submission).

Conditions:
Cystic fibrosis (CF). Also called: MUCOVISCIDOSIS. Identifiers: Orphanet 586, MedGen C0010674, MONDO:0009061, OMIM 219700. Disease mechanism: loss of function.

Allele frequency attached by ClinVar (database versions not stated): TOPMed 0.00001.

Submission:

Ambry Genetics
Classification: Uncertain significance for Cystic fibrosis. Last evaluated: 2024-03-08. Review status: criteria provided, single submitter. Criteria: Ambry Variant Classification Scheme 2023. Collection method: clinical testing. Allele origin: germline.
Comment: The c.3140-3C>T intronic variant results from a C to T substitution 3 nucleotides upstream from coding exon 20 in the CFTR gene. This nucleotide position is highly conserved in available vertebrate species. In silico splice site analysis for this alteration is inconclusive. Based on the available evidence, the clinical significance of this alteration remains unclear.